The following is an entry in ClinVar:

ClinVar aggregate classification (germline): Likely benign (1 of 4 stars; one submission).

Allele frequency attached by ClinVar (database versions not stated): ExAC 0.00037; 1000 Genomes Project 0.00060; 1000 Genomes Project 30x 0.00062; gnomAD 0.00074.

Submission:

CeGaT Center for Human Genetics Tuebingen
Classification: Likely benign. Last evaluated: 2022-11-01. Review status: criteria provided, single submitter. Criteria: CeGaT Center For Human Genetics Tuebingen Variant Classification Criteria Version 2. Collection method: clinical testing. Allele origin: germline. Affected: yes. Observed: 1 variant allele.
Comment: PRAMEF17: BS2

NM_001099851.3(PRAMEF17):c.904C>G (p.His302Asp)

Gene: PRAMEF17 (PRAME family member 17; plus strand). Cytogenetic location: 1p36.21.
Variant type: single nucleotide variant.
Coding change: c.904C>G on transcript NM_001099851.3 (MANE Select); coding-DNA position 904, C replaced by G.
Protein change: p.His302Asp; replaces histidine 302 with aspartic acid.
Molecular consequence: missense variant.
Genome position (GRCh38, 1-based): chr1:13,391,981, C>G. VCF-style: chr1-13391981-C-G. GRCh37 (hg19) VCF-style: chr1-13718441-C-G.
Other names: short protein forms H302D.
Identifiers: ClinVar variation 2638285 (VCV002638285.24), dbSNP rs201813600, ClinGen allele CA609133.